The following is an entry in ClinVar:

ClinVar aggregate classification (germline): Pathogenic (1 of 4 stars; one submission).

Conditions:
Jeune thoracic dystrophy. Also called: Short-rib thoracic dysplasia; Jeune syndrome; Infantile thoracic dystrophy; Thoracic pelvic phalangeal dystrophy; Jeune's syndrome; Chondroectodermal dysplasia-like syndrome. Identifiers: Orphanet 474, MedGen C0265275, MONDO:0018770.

Submission:

Labcorp Genetics (formerly Invitae), Labcorp
Classification: Pathogenic for Jeune thoracic dystrophy. Last evaluated: 2026-01-12. Review status: criteria provided, single submitter. Criteria: Invitae Variant Classification Sherloc (09022015). Collection method: clinical testing. Allele origin: germline.
Comment: This sequence change creates a premature translational stop signal (p.Asp3389Metfs*23) in the DYNC2H1 gene. It is expected to result in an absent or disrupted protein product. Loss-of-function variants in DYNC2H1 are known to be pathogenic (PMID: 23339108, 32753734, 33755199). This variant is present in population databases (rs751621733, gnomAD 0.03%). This variant has not been reported in the literature in individuals affected with DYNC2H1-related conditions. ClinVar contains an entry for this variant (Variation ID: 2745457). For these reasons, this variant has been classified as Pathogenic.

Literature cited by the submitters: PubMed 23339108; PubMed 32753734; PubMed 33755199.

NM_001377.3(DYNC2H1):c.10144del (p.Asp3382fs)

Gene: DYNC2H1 (dynein cytoplasmic 2 heavy chain 1; plus strand). Cytogenetic location: 11q22.3.
Variant type: Deletion.
Coding change: c.10144del on transcript NM_001377.3 (MANE Select); coding-DNA position 10144, one base deleted (G; older notation c.10144delG).
Protein change: p.Asp3382fs; shifts the reading frame from aspartic acid 3382.
Molecular consequence: frameshift variant.
Genome position (GRCh38, 1-based): chr11:103,253,386, G deleted; the last of 2 consecutive G bases (chr11:103,253,385-103,253,386); deleting either gives the same sequence. VCF-style (leftmost placement, unchanged base first): chr11-103253384-CG-C. GRCh37 (hg19) VCF-style: chr11-103124113-CG-C.
Other names: c.10165del, p.Asp3389fs (NM_001080463.2); short protein forms D3389fs, D3382fs.
Identifiers: ClinVar variation 2745457 (VCV002745457.3), dbSNP rs751621733, ClinGen allele CA6254892.